The following is an entry in ClinVar:

ClinVar aggregate classification (germline): Uncertain significance (1 of 4 stars; one submission).

Submission:

Ambry Genetics
Classification: Uncertain significance. Last evaluated: 2024-03-09. Review status: criteria provided, single submitter. Criteria: Ambry Variant Classification Scheme 2023. Collection method: clinical testing. Allele origin: germline.
Comment: The p.A616T variant (also known as c.1846G>A), located in coding exon 18 of the KIF1B gene, results from a G to A substitution at nucleotide position 1846. The alanine at codon 616 is replaced by threonine, an amino acid with similar properties. This amino acid position is conserved. In addition, this alteration is predicted to be deleterious by in silico analysis. Based on the available evidence, the clinical significance of this alteration remains unclear.

NM_001365951.3(KIF1B):c.1984G>A (p.Ala662Thr)

Gene: KIF1B (kinesin family member 1B; plus strand). Cytogenetic location: 1p36.22.
Variant type: single nucleotide variant.
Coding change: c.1984G>A on transcript NM_001365951.3 (MANE Select); coding-DNA position 1984, G replaced by A.
Protein change: p.Ala662Thr; replaces alanine 662 with threonine.
Molecular consequence: missense variant.
Genome position (GRCh38, 1-based): chr1:10,297,019, G>A. VCF-style: chr1-10297019-G-A. GRCh37 (hg19) VCF-style: chr1-10357077-G-A.
Other names: c.1984G>A, p.Ala662Thr (NM_001365952.1); c.1846G>A, p.Ala616Thr (NM_001365953.1, NM_015074.3, NM_183416.4); short protein forms A616T, A662T.
Identifiers: ClinVar variation 3226372 (VCV003226372.1), dbSNP rs2521402822, ClinGen allele CA338317173.